The following is an entry in ClinVar:

NM_001170629.2(CHD8):c.1080G>A (p.Ser360=)

Gene: CHD8 (chromodomain helicase DNA binding protein 8; minus strand). Cytogenetic location: 14q11.2.
Variant type: single nucleotide variant.
Coding change: c.1080G>A on transcript NM_001170629.2 (MANE Select); coding-DNA position 1080, G replaced by A.
Protein change: p.Ser360=; no amino-acid change (serine 360 retained).
Molecular consequence: synonymous variant.
Genome position (GRCh38, 1-based): chr14:21,429,099, C>T on the plus strand (G>A on the coding strand, the complement: CHD8 is on the minus strand). VCF-style: chr14-21429099-C-T. GRCh37 (hg19) VCF-style: chr14-21897258-C-T.
Other names: c.243G>A, p.Ser81= (NM_020920.4).
Identifiers: ClinVar variation 1199972 (VCV001199972.8), dbSNP rs769647344, ClinGen allele CA7091848.

ClinVar aggregate classification (germline): Likely benign. Review status: criteria provided, multiple submitters, no conflicts (2 of 4 stars). 3 submissions from 3 submitters: Likely benign (3). Last evaluated 2026-06-01.

Allele frequency attached by ClinVar (database versions not stated): TOPMed 0.00010; gnomAD 0.00014 and 0.00016.
gnomAD v4.1: 35 of 1,613,768 alleles (0.0022%); highest among the groups gnomAD compares: African/African-American, 0.043%; no homozygotes.

Submissions (3):

CeGaT Center for Human Genetics Tuebingen
Classification: Likely benign. Last evaluated: 2026-06-01. Review status: criteria provided, single submitter. Criteria: CeGaT Center For Human Genetics Tuebingen Variant Classification Criteria Version 2. Collection method: clinical testing. Allele origin: germline. Affected: yes. Observed: 1 variant allele.
Comment: CHD8: BP4, BP7

Labcorp Genetics (formerly Invitae), Labcorp
Classification: Likely benign. Last evaluated: 2026-02-03. Review status: criteria provided, single submitter. Criteria: Invitae Variant Classification Sherloc (09022015). Collection method: clinical testing. Allele origin: germline.

GeneDx
Classification: Likely benign. Last evaluated: 2020-04-09. Review status: criteria provided, single submitter. Criteria: GeneDx Variant Classification Process June 2021. Collection method: clinical testing. Allele origin: germline. Affected: yes.